The following is an entry in ClinVar:

NM_000245.4(MET):c.1914A>G (p.Ile638Met)

Gene: MET (MET proto-oncogene, receptor tyrosine kinase; plus strand). Cytogenetic location: 7q31.2.
Variant type: single nucleotide variant.
Coding change: c.1914A>G on transcript NM_000245.4 (MANE Select); coding-DNA position 1914, A replaced by G.
Protein change: p.Ile638Met; replaces isoleucine 638 with methionine.
Molecular consequence: missense variant.
Genome position (GRCh38, 1-based): chr7:116,757,488, A>G. VCF-style: chr7-116757488-A-G. GRCh37 (hg19) VCF-style: chr7-116397542-A-G.
Other names: c.1914A>G, p.Ile638Met (NM_001127500.3, NM_001324401.3); c.624A>G, p.Ile208Met (NM_001324402.2); short protein forms I208M, I638M.
Identifiers: ClinVar variation 1782545 (VCV001782545.2), dbSNP rs2116920489, ClinGen allele CA368979376.

ClinVar aggregate classification (germline): Uncertain significance (1 of 4 stars; one submission).

Conditions:
Hereditary cancer-predisposing syndrome. Also called: Neoplastic Syndromes, Hereditary; Tumor predisposition; Hereditary Cancer Syndrome; Hereditary neoplastic syndrome. Identifiers: Orphanet 140162, MedGen C0027672, MeSH D009386, MONDO:0015356.

Submission:

Ambry Genetics
Classification: Uncertain significance for Hereditary cancer-predisposing syndrome. Last evaluated: 2021-06-15. Review status: criteria provided, single submitter. Criteria: Ambry Variant Classification Scheme 2023. Collection method: clinical testing. Allele origin: germline.
Comment: The p.I638M variant (also known as c.1914A>G), located in coding exon 6 of the MET gene, results from an A to G substitution at nucleotide position 1914. The isoleucine at codon 638 is replaced by methionine, an amino acid with highly similar properties. This amino acid position is not well conserved in available vertebrate species. In addition, this alteration is predicted to be tolerated by in silico analysis. Since supporting evidence is limited at this time, the clinical significance of this alteration remains unclear.